The following is an entry in ClinVar:

ClinVar aggregate classification (germline): Likely benign. Review status: criteria provided, multiple submitters, no conflicts (2 of 4 stars). 2 submissions from 2 submitters: Likely benign (2). Last evaluated 2024-09-06.

Allele frequency attached by ClinVar (database versions not stated): TOPMed 0.00006; ESP Exome Variant Server 0.00008; gnomAD 0.00005.

Submissions (2):

Blueprint Genetics
Classification: Likely benign. Last evaluated: 2024-09-06. Review status: criteria provided, single submitter. Criteria: ACMG Guidelines, 2015. Collection method: clinical testing. Allele origin: germline.

CeGaT Center for Human Genetics Tuebingen
Classification: Likely benign. Last evaluated: 2022-05-01. Review status: criteria provided, single submitter. Criteria: CeGaT Center For Human Genetics Tuebingen Variant Classification Criteria Version 2. Collection method: clinical testing. Allele origin: germline. Affected: yes. Observed: 1 variant allele.
Comment: ATAD3A: BP4, BP7

NM_001170535.3(ATAD3A):c.993C>T (p.Ile331=)

Gene: ATAD3A (ATPase family AAA domain containing 3A; plus strand). Cytogenetic location: 1p36.33.
Variant type: single nucleotide variant.
Coding change: c.993C>T on transcript NM_001170535.3 (MANE Select); coding-DNA position 993, C replaced by T.
Protein change: p.Ile331=; no amino-acid change (isoleucine 331 retained).
Molecular consequence: synonymous variant.
Genome position (GRCh38, 1-based): chr1:1,523,868, C>T. VCF-style: chr1-1523868-C-T. GRCh37 (hg19) VCF-style: chr1-1459248-C-T.
Other names: c.756C>T, p.Ile252= (NM_001170536.3); c.1137C>T, p.Ile379= (NM_018188.5).
Identifiers: ClinVar variation 1694481 (VCV001694481.32), dbSNP rs138624825, ClinGen allele CA526144.